The following is an entry in ClinVar:

ClinVar aggregate classification (germline): Uncertain significance (1 of 4 stars; one submission).

Submission:

GeneDx
Classification: Uncertain significance. Last evaluated: 2026-02-04. Review status: criteria provided, single submitter. Criteria: GeneDx Variant Classification Process June 2021. Collection method: clinical testing. Allele origin: germline.
Comment: Not observed at significant frequency in large population cohorts (gnomAD); In silico analysis supports that this missense variant has a deleterious effect on protein structure/function; Has not been previously published as pathogenic or benign to our knowledge

NM_198578.4(LRRK2):c.2198C>A (p.Ala733Glu)

Gene: LRRK2 (leucine rich repeat kinase 2; plus strand). Cytogenetic location: 12q12.
Variant type: single nucleotide variant.
Coding change: c.2198C>A on transcript NM_198578.4 (MANE Select); coding-DNA position 2198, C replaced by A.
Protein change: p.Ala733Glu; replaces alanine 733 with glutamic acid.
Molecular consequence: missense variant.
Genome position (GRCh38, 1-based): chr12:40,278,218, C>A. VCF-style: chr12-40278218-C-A. GRCh37 (hg19) VCF-style: chr12-40672020-C-A.
Other names: short protein forms A733E.
Identifiers: ClinVar variation 4976208 (VCV004976208.1).